The following is an entry in ClinVar:

NM_001271.4(CHD2):c.3454C>T (p.Arg1152Trp)

Gene: CHD2 (chromodomain helicase DNA binding protein 2; plus strand). Cytogenetic location: 15q26.1.
Variant type: single nucleotide variant.
Coding change: c.3454C>T on transcript NM_001271.4 (MANE Select); coding-DNA position 3454, C replaced by T.
Protein change: p.Arg1152Trp; replaces arginine 1152 with tryptophan.
Molecular consequence: missense variant.
Genome position (GRCh38, 1-based): chr15:92,991,516, C>T. VCF-style: chr15-92991516-C-T. GRCh37 (hg19) VCF-style: chr15-93534746-C-T.
Other names: c.3454C>T (NM_001271.3); short protein forms R1152W.
Identifiers: ClinVar variation 812173 (VCV000812173.13), dbSNP rs1596443241, ClinGen allele CA393896182.

ClinVar aggregate classification (germline): Pathogenic/Likely pathogenic. Review status: criteria provided, multiple submitters, no conflicts (2 of 4 stars). 6 submissions from 6 submitters: Pathogenic (2); Likely pathogenic (4). Last evaluated 2026-05-06.

Conditions:
Inborn genetic diseases. Identifiers: MedGen C0950123, MeSH D030342.
Developmental and epileptic encephalopathy 94 (DEE94). Also called: CHD2-Related Neurodevelopmental Disorders; Epileptic encephalopathy, childhood-onset. Identifiers: Orphanet 1942, Orphanet 2382, MedGen C3809278, MONDO:0014150, OMIM 615369.
CHD2-related disorder. Also called: CHD2-related condition.

Submissions (6):

Ambry Genetics
Classification: Pathogenic for Inborn genetic diseases. Last evaluated: 2026-05-06. Review status: criteria provided, single submitter. Criteria: Ambry Variant Classification Scheme 2023. Collection method: clinical testing. Allele origin: germline.
Comment: The c.3454C>T (p.R1152W) alteration is located in exon 27 (coding exon 26) of the CHD2 gene. This alteration results from a C to T substitution at nucleotide position 3454, causing the arginine (R) at amino acid position 1152 to be replaced by a tryptophan (W). This variant was not reported in population-based cohorts in the Genome Aggregation Database (gnomAD). This variant was reported in individual(s) with features consistent with CHD2-related developmental and epileptic encephalopathy; in at least one individual, it was determined to be de novo (Benson, 2020; Niu, 2022; Coppola, 2024). Other variant(s) at the same codon, c.3454C>G (p.R1152G) have been identified in individual(s) with features consistent with CHD2-related developmental and epileptic encephalopathy (Brunet, 2021). This amino acid position is highly conserved in available vertebrate species. This missense variant is located in a region that has a low rate of benign missense variation (Lek, 2016; Firth, 2009). This alteration is predicted to be deleterious by in silico analysis. Based on the available evidence, this alteration is classified as pathogenic.

Labcorp Genetics (formerly Invitae), Labcorp
Classification: Pathogenic for Developmental and epileptic encephalopathy 94. Last evaluated: 2024-10-25. Review status: criteria provided, single submitter. Criteria: Invitae Variant Classification Sherloc (09022015). Collection method: clinical testing. Allele origin: germline.
Comment: This sequence change replaces arginine, which is basic and polar, with tryptophan, which is neutral and slightly polar, at codon 1152 of the CHD2 protein (p.Arg1152Trp). This variant is not present in population databases (gnomAD no frequency). This missense change has been observed in individual(s) with clinical features of early onset epileptic encephalopathy (PMID: 32238909). In at least one individual the variant was observed to be de novo. ClinVar contains an entry for this variant (Variation ID: 812173). An algorithm developed to predict the effect of missense changes on protein structure and function (PolyPhen-2) suggests that this variant is likely to be disruptive. This variant disrupts the p.Arg1152 amino acid residue in CHD2. Other variant(s) that disrupt this residue have been observed in individuals with CHD2-related conditions (PMID: 33619735; internal data), which suggests that this may be a clinically significant amino acid residue. For these reasons, this variant has been classified as Pathogenic.

Institute of Immunology and Genetics Kaiserslautern
Classification: Likely pathogenic for Developmental and epileptic encephalopathy 94. Last evaluated: 2024-02-02. Review status: criteria provided, single submitter. Criteria: ACMG Guidelines, 2015. Collection method: clinical testing. Allele origin: de novo. Affected: yes.
Comment: ACMG Criteria: PM2, PP3, PP5, PS2; Variant was found in heterozygous state

Blueprint Genetics
Classification: Likely pathogenic for CHD2-related disorders. Last evaluated: 2023-06-14. Review status: criteria provided, single submitter. Criteria: ACMG Guidelines, 2015. Collection method: clinical testing. Allele origin: germline. Affected: yes. Observed: 1 variant allele.

Cavalleri Lab, Royal College of Surgeons in Ireland
Classification: Likely pathogenic for Developmental and epileptic encephalopathy 94. Last evaluated: 2019-12-11. Review status: criteria provided, single submitter. Criteria: ACMG Guidelines, 2015. Collection method: research. Allele origin: de novo. Inheritance: Sporadic. Affected: yes.
Comment: ACMG evidence PS2, PM2,PP2, PP3

Juno Genomics, Hangzhou Juno Genomics, Inc
Classification: Likely pathogenic for Developmental and epileptic encephalopathy 94. Review status: criteria provided, single submitter. Criteria: ACMG Guidelines, 2015. Collection method: clinical testing. Allele origin: germline. Affected: yes.
Comment: Absent from controls (or at extremely low frequency if recessive) in Genome Aggregation Database, Exome Sequencing Project, 1000 Genomes Project, or Exome Aggregation Consortium.;Multiple lines of computational evidence support a deleterious effect on the gene or gene product (conservation, evolutionary, splicing impact, etc).;Missense variant in a gene that has a low rate of benign missense variation and where missense variants are a common mechanism of disease.;The prevalence of the variant in affected individuals is significantly increased compared to the prevalence in controls.;Assumed de novo, but without confirmation of paternity and maternity.;Patient's phenotype or family history is highly specific for a disease with a single genetic etiology.

Literature cited by the submitters: PubMed 32238909 (cited by 3 submitters); PubMed 33619735 (cited by Ambry Genetics and Labcorp Genetics (formerly Invitae), Labcorp); PubMed 36034301 (cited by Ambry Genetics); PubMed 38088023 (cited by Ambry Genetics).